The following is an entry in ClinVar:

ClinVar aggregate classification (germline): Uncertain significance (1 of 4 stars; one submission).

Conditions:
PIGK-related condition.

Submission:

PreventionGenetics, part of Exact Sciences
Classification: Uncertain significance for PIGK-related condition. Last evaluated: 2025-11-11. Review status: criteria provided, single submitter. Criteria: ACMG Guidelines, 2015. Collection method: clinical testing. Allele origin: germline.
Comment: The PIGK c.296C>T variant is predicted to result in the amino acid substitution p.Pro99Leu. To our knowledge, this variant has not been reported in the literature. This variant is reported in 0.0030% of alleles in individuals of Latino descent in gnomAD. At this time, the clinical significance of this variant is uncertain due to the absence of conclusive functional and genetic evidence.

NM_005482.3(PIGK):c.296C>T (p.Pro99Leu)

Gene: PIGK (phosphatidylinositol glycan anchor biosynthesis class K; minus strand). Cytogenetic location: 1p31.1.
Variant type: single nucleotide variant.
Coding change: c.296C>T on transcript NM_005482.3 (MANE Select); coding-DNA position 296, C replaced by T.
Protein change: p.Pro99Leu; replaces proline 99 with leucine.
Molecular consequence: missense variant.
Genome position (GRCh38, 1-based): chr1:77,169,339, G>A on the plus strand (C>T on the coding strand, the complement: PIGK is on the minus strand). VCF-style: chr1-77169339-G-A. GRCh37 (hg19) VCF-style: chr1-77635024-G-A.
Other names: short protein forms P99L.
Identifiers: ClinVar variation 4992006 (VCV004992006.1).
Genomic context (GRCh38, chr1:77,169,339, plus strand): 5'-ACTTCCACATCATCTCCATACACATTTAGTTCCATATTCTTGTGACTAAACACTGTAGCT[G>A]GTTTGGGATTTCTAGGATTACAGGCCATATCATCTGCAAGCATTAGGACAATGTGACTAG-3'
Protein context (NP_005473.1, residues 89-109): DMACNPRNPK[Pro99Leu]ATVFSHKNME